The following is an entry in ClinVar:

NM_014585.6(SLC40A1):c.478G>T (p.Val160Phe)

Gene: SLC40A1 (solute carrier family 40 member 1; minus strand). Cytogenetic location: 2q32.2.
Variant type: single nucleotide variant.
Coding change: c.478G>T on transcript NM_014585.6 (MANE Select); coding-DNA position 478, G replaced by T.
Protein change: p.Val160Phe; replaces valine 160 with phenylalanine.
Molecular consequence: missense variant.
Genome position (GRCh38, 1-based): chr2:189,571,751, C>A on the plus strand (G>T on the coding strand, the complement: SLC40A1 is on the minus strand). VCF-style: chr2-189571751-C-A. GRCh37 (hg19) VCF-style: chr2-190436477-C-A.
Other names: short protein forms V160F.
Identifiers: ClinVar variation 1056217 (VCV001056217.9), dbSNP rs2105628115, ClinGen allele CA349989117.

ClinVar aggregate classification (germline): Uncertain significance (1 of 4 stars; one submission).

Conditions:
Hemochromatosis type 4 (HFE4). Also called: Ferroportin disease; HEMOCHROMATOSIS DUE TO DEFECT IN FERROPORTIN; HEMOCHROMATOSIS, AUTOSOMAL DOMINANT. Identifiers: Orphanet 139491, Orphanet 647834, Orphanet 648562, MedGen C1853733, MONDO:0011631, OMIM 606069.

Submission:

Labcorp Genetics (formerly Invitae), Labcorp
Classification: Uncertain significance for Hemochromatosis type 4. Last evaluated: 2020-09-21. Review status: criteria provided, single submitter. Criteria: Invitae Variant Classification Sherloc (09022015). Collection method: clinical testing. Allele origin: germline.
Comment: Algorithms developed to predict the effect of missense changes on protein structure and function are either unavailable or do not agree on the potential impact of this missense change (SIFT: "Deleterious"; PolyPhen-2: "Probably Damaging"; Align-GVGD: "Class C0"). This variant has not been reported in the literature in individuals with SLC40A1-related conditions. This variant is not present in population databases (ExAC no frequency). This sequence change replaces valine with phenylalanine at codon 160 of the SLC40A1 protein (p.Val160Phe). The valine residue is highly conserved and there is a small physicochemical difference between valine and phenylalanine. In summary, the available evidence is currently insufficient to determine the role of this variant in disease. Therefore, it has been classified as a Variant of Uncertain Significance.